The following is an entry in ClinVar:

NM_032119.4(ADGRV1):c.14515C>G (p.Gln4839Glu)

Gene: ADGRV1 (adhesion G protein-coupled receptor V1; plus strand). Cytogenetic location: 5q14.3.
Variant type: single nucleotide variant.
Coding change: c.14515C>G on transcript NM_032119.4 (MANE Select); coding-DNA position 14515, C replaced by G.
Protein change: p.Gln4839Glu; replaces glutamine 4839 with glutamic acid.
Molecular consequence: missense variant. On other transcripts: non-coding transcript variant (1).
Genome position (GRCh38, 1-based): chr5:90,791,344, C>G. VCF-style: chr5-90791344-C-G. GRCh37 (hg19) VCF-style: chr5-90087161-C-G.
Other names: p.Q4839E:CAG>GAG; short protein forms Q4839E.
Identifiers: ClinVar variation 46271 (VCV000046271.53), dbSNP rs79464236, ClinGen allele CA138032.

ClinVar aggregate classification (germline): Benign/Likely benign. Review status: criteria provided, multiple submitters, no conflicts (2 of 4 stars). 9 submissions from 9 submitters: Benign (7); Likely benign (1). 1 of the submissions does not count toward it. Last evaluated 2026-01-28.

Conditions:
Usher syndrome type 2C. Also called: Usher syndrome, type 2B; USHER SYNDROME, TYPE IIC. Identifiers: Orphanet 231178, Orphanet 886, MedGen C2931213, MONDO:0011558, OMIM 605472.

Allele frequency attached by ClinVar (database versions not stated): TOPMed 0.00134; gnomAD exomes 0.00170 and 0.00324; gnomAD 0.00178 and 0.00222; ExAC 0.00359; 1000 Genomes Project 30x 0.00593; 1000 Genomes Project 0.00639.
gnomAD v4.1: 2,697 of 1,547,346 alleles (0.17%); highest among the groups gnomAD compares: East Asian, 3.7%; 55 homozygotes.

Submissions (9):

Labcorp Genetics (formerly Invitae), Labcorp
Classification: Benign. Last evaluated: 2026-01-28. Review status: criteria provided, single submitter. Criteria: Invitae Variant Classification Sherloc (09022015). Collection method: clinical testing. Allele origin: germline.

CeGaT Center for Human Genetics Tuebingen
Classification: Benign. Last evaluated: 2024-09-01. Review status: criteria provided, single submitter. Criteria: CeGaT Center For Human Genetics Tuebingen Variant Classification Criteria Version 2. Collection method: clinical testing. Allele origin: germline. Affected: yes. Observed: 1 variant allele.
Comment: ADGRV1: PM5, BP4, BS1, BS2

ARUP Laboratories, Molecular Genetics and Genomics, ARUP Laboratories
Classification: Benign. Last evaluated: 2023-11-29. Review status: criteria provided, single submitter. Criteria: ARUP Molecular Germline Variant Investigation Process 2024. Collection method: clinical testing. Allele origin: germline.

GeneDx
Classification: Benign. Last evaluated: 2019-01-16. Review status: criteria provided, single submitter. Criteria: GeneDx Variant Classification Process June 2021. Collection method: clinical testing. Allele origin: germline. Affected: yes.
Comment: This variant is associated with the following publications: (PMID: 26969326)

Athena Diagnostics
Classification: Benign. Last evaluated: 2018-01-23. Review status: criteria provided, single submitter. Criteria: Athena Diagnostics Criteria. Collection method: clinical testing. Allele origin: germline.

Illumina Laboratory Services, Illumina
Classification: Likely benign for Usher syndrome type 2C. Last evaluated: 2018-01-13. Review status: criteria provided, single submitter. Criteria: ICSL Variant Classification Criteria 13 December 2019. Collection method: clinical testing. Allele origin: germline.
Comment: This variant was observed in the ICSL laboratory as part of a predisposition screen in an ostensibly healthy population. It had not been previously curated by ICSL or reported in the Human Gene Mutation Database (HGMD: prior to June 1st, 2018), and was therefore a candidate for classification through an automated scoring system. Utilizing variant allele frequency, disease prevalence and penetrance estimates, and inheritance mode, an automated score was calculated to assess if this variant is too frequent to cause the disease. Based on the score and internal cut-off values, a variant classified as likely benign is not then subjected to further curation. The score for this variant resulted in a classification of likely benign for this disease.

Eurofins Ntd Llc (ga)
Classification: Benign. Last evaluated: 2016-12-27. Review status: criteria provided, single submitter. Criteria: EGL Classification Definitions 2015. Collection method: clinical testing. Allele origin: germline. Observed: 1 variant allele, 1 heterozygote.

Laboratory for Molecular Medicine, Mass General Brigham Personalized Medicine
Classification: Benign. Last evaluated: 2012-05-07. Review status: criteria provided, single submitter. Criteria: LMM Criteria. Collection method: clinical testing. Allele origin: germline. Observed: 5 variant alleles.
Comment: Gln4839Glu in Exon 70 of GPR98: This variant is not expected to have clinical si gnificance because it has been identified in 4.2% (5/120) of chromosomes from a population in the dbSNP database (rs79 464236).

Genetic Services Laboratory, University of Chicago
Classification: Likely benign. Review status: no assertion criteria provided. Collection method: clinical testing. Allele origin: germline. Inheritance: Autosomal dominant inheritance. Not counted in ClinVar's aggregate classification.
Comment: Likely benign based on allele frequency in 1000 Genomes Project or ESP global frequency and its presence in a patient with a rare or unrelated disease phenotype. NOT Sanger confirmed

Literature cited by the submitters: PubMed 26969326 (cited by Athena Diagnostics).